The following is an entry in ClinVar:

ClinVar aggregate classification (germline): Conflicting classifications of pathogenicity. Review status: criteria provided, conflicting classifications (1 of 4 stars). 3 submissions from 3 submitters: Uncertain significance (2); Likely benign (1). Last evaluated 2024-10-14.

Conditions:
Inborn genetic diseases. Identifiers: MedGen C0950123, MeSH D030342.

Allele frequency attached by ClinVar (database versions not stated): gnomAD exomes 0.00011 and 0.00014; gnomAD 0.00012; ESP Exome Variant Server 0.00016; TOPMed 0.00018; ExAC 0.00036.
gnomAD v4.1: 181 of 1,601,904 alleles (0.011%); highest among the groups gnomAD compares: Middle Eastern, 0.099%; no homozygotes.

Submissions (3):

Labcorp Genetics (formerly Invitae), Labcorp
Classification: Uncertain significance. Last evaluated: 2024-10-14. Review status: criteria provided, single submitter. Criteria: Invitae Variant Classification Sherloc (09022015). Collection method: clinical testing. Allele origin: germline.
Comment: This sequence change replaces valine, which is neutral and non-polar, with leucine, which is neutral and non-polar, at codon 4 of the WDR62 protein (p.Val4Leu). This variant is present in population databases (rs147077663, gnomAD 0.03%). This variant has not been reported in the literature in individuals affected with WDR62-related conditions. ClinVar contains an entry for this variant (Variation ID: 328904). An algorithm developed to predict the effect of missense changes on protein structure and function outputs the following: PolyPhen-2: "Benign". The leucine amino acid residue is found in multiple mammalian species, which suggests that this missense change does not adversely affect protein function. In summary, the available evidence is currently insufficient to determine the role of this variant in disease. Therefore, it has been classified as a Variant of Uncertain Significance.

Ambry Genetics
Classification: Likely benign for Inborn genetic diseases. Last evaluated: 2022-06-03. Review status: criteria provided, single submitter. Criteria: Ambry Variant Classification Scheme 2023. Collection method: clinical testing. Allele origin: germline.

CeGaT Center for Human Genetics Tuebingen
Classification: Uncertain significance. Last evaluated: 2016-12-01. Review status: criteria provided, single submitter. Criteria: CeGaT Center For Human Genetics Tuebingen Variant Classification Criteria Version 2. Collection method: clinical testing. Allele origin: germline. Affected: yes. Observed: 1 variant allele.

NM_001083961.2(WDR62):c.10G>C (p.Val4Leu)

Gene: WDR62 (WD repeat domain 62; plus strand). Cytogenetic location: 19q13.12.
Variant type: single nucleotide variant.
Coding change: c.10G>C on transcript NM_001083961.2 (MANE Select); coding-DNA position 10, G replaced by C.
Protein change: p.Val4Leu; replaces valine 4 with leucine.
Molecular consequence: missense variant.
Genome position (GRCh38, 1-based): chr19:36,054,981, G>C. VCF-style: chr19-36054981-G-C. GRCh37 (hg19) VCF-style: chr19-36545883-G-C.
Other names: c.10G>C, p.Val4Leu (NM_173636.5); short protein forms V4L.
Identifiers: ClinVar variation 328904 (VCV000328904.51), dbSNP rs147077663, ClinGen allele CA9395108.